The following is an entry in ClinVar:

NM_001170629.2(CHD8):c.5816G>A (p.Arg1939His)

Gene: CHD8 (chromodomain helicase DNA binding protein 8; minus strand). Cytogenetic location: 14q11.2.
Variant type: single nucleotide variant.
Coding change: c.5816G>A on transcript NM_001170629.2 (MANE Select); coding-DNA position 5816, G replaced by A.
Protein change: p.Arg1939His; replaces arginine 1939 with histidine.
Molecular consequence: missense variant.
Genome position (GRCh38, 1-based): chr14:21,393,979, C>T on the plus strand (G>A on the coding strand, the complement: CHD8 is on the minus strand). VCF-style: chr14-21393979-C-T. GRCh37 (hg19) VCF-style: chr14-21862138-C-T.
Other names: c.4979G>A, p.Arg1660His (NM_020920.4); short protein forms R1660H, R1939H.
Identifiers: ClinVar variation 1678792 (VCV001678792.7), dbSNP rs751815253, ClinGen allele CA7090887.
Genomic context (GRCh38, chr14:21,393,979, plus strand): 5'-GCCAGAAAAGAGAAGTCTGGGTCCTGCATGATGTTGCAGTCTGTTTGGCTCACCCCATGG[C>T]GGGCTGCCCCTCTTAGAAGCTCCCCATCATGCCGAACAGGCTCCCACCATTTGGGCAATT-3'
Protein context (NP_001164100.1, residues 1929-1949): HDGELLRGAA[Arg1939His]HGVSQTDCNI

ClinVar aggregate classification (germline): Conflicting classifications of pathogenicity. Review status: criteria provided, conflicting classifications (1 of 4 stars). 3 submissions from 3 submitters: Uncertain significance (1); Likely benign (2). Last evaluated 2025-09-25.

Conditions:
Inborn genetic diseases. Identifiers: MedGen C0950123, MeSH D030342.

Allele frequency attached by ClinVar (database versions not stated): TOPMed 0.00005; gnomAD exomes 0.00006 and 0.00003; ExAC 0.00003; gnomAD 0.00003.
gnomAD v4.1: 92 of 1,613,800 alleles (0.0057%); highest among the groups gnomAD compares: Admixed American, 0.01%; no homozygotes.

Submissions (3):

Labcorp Genetics (formerly Invitae), Labcorp
Classification: Likely benign. Last evaluated: 2025-09-25. Review status: criteria provided, single submitter. Criteria: Invitae Variant Classification Sherloc (09022015). Collection method: clinical testing. Allele origin: germline.

GeneDx
Classification: Likely benign. Last evaluated: 2019-01-10. Review status: criteria provided, single submitter. Criteria: GeneDx Variant Classification Process June 2021. Collection method: clinical testing. Allele origin: germline. Affected: yes.
Comment: See Variant Classification Assertion Criteria.

Ambry Genetics
Classification: Uncertain significance for Inborn genetic diseases. Last evaluated: 2018-04-02. Review status: criteria provided, single submitter. Criteria: Ambry Variant Classification Scheme 2023. Collection method: clinical testing. Allele origin: germline.
Comment: The p.R1939H variant (also known as c.5816G>A), located in coding exon 31 of the CHD8 gene, results from a G to A substitution at nucleotide position 5816. The arginine at codon 1939 is replaced by histidine, an amino acid with highly similar properties. This amino acid position is not well conserved in available vertebrate species. In addition, the in silico prediction for this alteration is inconclusive. Since supporting evidence is limited at this time, the clinical significance of this alteration remains unclear.